The following is an entry in ClinVar:

NM_002485.5(NBN):c.1106C>T (p.Ser369Leu)

Gene: NBN (nibrin; minus strand). Cytogenetic location: 8q21.3.
Variant type: single nucleotide variant.
Coding change: c.1106C>T on transcript NM_002485.5 (MANE Select); coding-DNA position 1106, C replaced by T.
Protein change: p.Ser369Leu; replaces serine 369 with leucine.
Molecular consequence: missense variant.
Genome position (GRCh38, 1-based): chr8:89,958,743, G>A on the plus strand (C>T on the coding strand, the complement: NBN is on the minus strand). VCF-style: chr8-89958743-G-A. GRCh37 (hg19) VCF-style: chr8-90970971-G-A.
Other names: c.860C>T, p.Ser287Leu (NM_001024688.3); short protein forms S369L, S287L.
Identifiers: ClinVar variation 2820574 (VCV002820574.3), dbSNP rs2129744741, ClinGen allele CA371656598.

ClinVar aggregate classification (germline): Uncertain significance (1 of 4 stars; one submission).

Conditions:
Microcephaly, normal intelligence and immunodeficiency (NBS). Also called: SEEMANOVA SYNDROME II; IMMUNODEFICIENCY, MICROCEPHALY, AND CHROMOSOMAL INSTABILITY; Nijmegen breakage syndrome; Microcephaly with normal intelligence immunodeficiency and lymphoreticular malignancies; Nonsyndromal microcephaly autosomal recessive with normal intelligence; Seemanova syndrome 2. Identifiers: Orphanet 647, MedGen C0398791, MONDO:0009623, OMIM 251260.

Submission:

Labcorp Genetics (formerly Invitae), Labcorp
Classification: Uncertain significance for Microcephaly, normal intelligence and immunodeficiency. Last evaluated: 2025-07-31. Review status: criteria provided, single submitter. Criteria: Invitae Variant Classification Sherloc (09022015). Collection method: clinical testing. Allele origin: germline.
Comment: This sequence change replaces serine, which is neutral and polar, with leucine, which is neutral and non-polar, at codon 369 of the NBN protein (p.Ser369Leu). This variant is not present in population databases (gnomAD no frequency). This variant has not been reported in the literature in individuals affected with NBN-related conditions. ClinVar contains an entry for this variant (Variation ID: 2820574). An algorithm developed to predict the effect of missense changes on protein structure and function (PolyPhen-2) suggests that this variant is likely to be tolerated. In summary, the available evidence is currently insufficient to determine the role of this variant in disease. Therefore, it has been classified as a Variant of Uncertain Significance.